The following is an entry in ClinVar:

NM_001127671.2(LIFR):c.1507dup (p.Thr503fs)

Gene: LIFR (LIF receptor subunit alpha; minus strand). Cytogenetic location: 5p13.1.
Variant type: Duplication.
Coding change: c.1507dup on transcript NM_001127671.2 (MANE Select); coding-DNA position 1507, one base duplicated (A; older notation c.1507dupA).
Protein change: p.Thr503fs; shifts the reading frame from threonine 503.
Molecular consequence: frameshift variant.
Genome position (GRCh38, 1-based): chr5:38,502,730, T duplicated on the plus strand (A on the coding strand, the reverse complement: LIFR is on the minus strand). VCF-style (leftmost placement, unchanged base first): chr5-38502729-G-GT. GRCh37 (hg19) VCF-style: chr5-38502831-G-GT.
Other names: c.1507dup, p.Thr503fs (NM_001364297.2, NM_001364298.2, NM_002310.6); short protein forms T503fs.
Identifiers: ClinVar variation 2092511 (VCV002092511.4), dbSNP rs2531028879, ClinGen allele CA2580073263.

ClinVar aggregate classification (germline): Pathogenic (1 of 4 stars; one submission).

Submission:

Labcorp Genetics (formerly Invitae), Labcorp
Classification: Pathogenic. Last evaluated: 2026-01-12. Review status: criteria provided, single submitter. Criteria: Invitae Variant Classification Sherloc (09022015). Collection method: clinical testing. Allele origin: germline.
Comment: This sequence change creates a premature translational stop signal (p.Thr503Asnfs*12) in the LIFR gene. It is expected to result in an absent or disrupted protein product. Loss-of-function variants in LIFR are known to be pathogenic (PMID: 14740318). This variant is not present in population databases (gnomAD no frequency). This variant has not been reported in the literature in individuals affected with LIFR-related conditions. ClinVar contains an entry for this variant (Variation ID: 2092511). For these reasons, this variant has been classified as Pathogenic.

Literature cited by the submitters: PubMed 14740318.